The following is an entry in ClinVar:

ClinVar aggregate classification (germline): Likely benign (1 of 4 stars; one submission).

Conditions:
SPTBN4-related disorder. Also called: SPTBN4-related condition.

gnomAD v4.1: 260 of 1,548,988 alleles (0.017%); highest among the groups gnomAD compares: African/African-American, 0.33%; 2 homozygotes.

Submission:

PreventionGenetics, part of Exact Sciences
Classification: Likely benign for SPTBN4-related condition. Last evaluated: 2026-06-27. Review status: criteria provided, single submitter. Criteria: ACMG Guidelines, 2015. Collection method: clinical testing. Allele origin: germline.
Comment: This variant is classified as likely benign based on ACMG/AMP sequence variant interpretation guidelines (Richards et al. 2015 PMID: 25741868, with internal and published modifications).

NM_020971.3(SPTBN4):c.3555C>A (p.Leu1185=)

Gene: SPTBN4 (spectrin beta, non-erythrocytic 4; plus strand). Cytogenetic location: 19q13.2.
Variant type: single nucleotide variant.
Coding change: c.3555C>A on transcript NM_020971.3 (MANE Select); coding-DNA position 3555, C replaced by A.
Protein change: p.Leu1185=; no amino-acid change (leucine 1185 retained).
Molecular consequence: synonymous variant.
Genome position (GRCh38, 1-based): chr19:40,520,052, C>A. VCF-style: chr19-40520052-C-A. GRCh37 (hg19) VCF-style: chr19-41025959-C-A.
Identifiers: ClinVar variation 4979736 (VCV004979736.1).